The following is an entry in ClinVar:

ClinVar aggregate classification (germline): Uncertain significance (1 of 4 stars; one submission).

Conditions:
Familial thoracic aortic aneurysm and aortic dissection (TAAD). Also called: Thoracic aortic aneurysms and dissections. Identifiers: Orphanet 91387, MedGen C4707243, MONDO:0019625.

gnomAD v4.1: 1 of 1,613,426 alleles (0.000062%); highest among the groups gnomAD compares: Non-Finnish European, 0.000085%; no homozygotes.

Submission:

Ambry Genetics
Classification: Uncertain significance for Familial thoracic aortic aneurysm and aortic dissection. Last evaluated: 2019-12-20. Review status: criteria provided, single submitter. Criteria: Ambry Variant Classification Scheme 2023. Collection method: clinical testing. Allele origin: germline.
Comment: The p.S217C variant (also known as c.650C>G), located in coding exon 4 of the TGFB3 gene, results from a C to G substitution at nucleotide position 650. The serine at codon 217 is replaced by cysteine, an amino acid with dissimilar properties. This amino acid position is well conserved in available vertebrate species. In addition, this alteration is predicted to be tolerated by in silico analysis. Since supporting evidence is limited at this time, the clinical significance of this alteration remains unclear.

NM_003239.5(TGFB3):c.650C>G (p.Ser217Cys)

Gene: TGFB3 (transforming growth factor beta 3; minus strand). Cytogenetic location: 14q24.3.
Variant type: single nucleotide variant.
Coding change: c.650C>G on transcript NM_003239.5 (MANE Select); coding-DNA position 650, C replaced by G.
Protein change: p.Ser217Cys; replaces serine 217 with cysteine.
Molecular consequence: missense variant.
Genome position (GRCh38, 1-based): chr14:75,965,692, G>C on the plus strand (C>G on the coding strand, the complement: TGFB3 is on the minus strand). VCF-style: chr14-75965692-G-C. GRCh37 (hg19) VCF-style: chr14-76432035-G-C.
Other names: c.650C>G, p.Ser217Cys (NM_001329939.2, NM_001329938.2); short protein forms S217C.
Identifiers: ClinVar variation 1753953 (VCV001753953.2), dbSNP rs1234848884, ClinGen allele CA390469042.